The following is an entry in ClinVar:

NM_002474.3(MYH11):c.1865-6C>T

Gene: MYH11 (myosin heavy chain 11; minus strand). Cytogenetic location: 16p13.11.
Variant type: single nucleotide variant.
Coding change: c.1865-6C>T on transcript NM_002474.3 (MANE Select); 6 bases into the intron before coding-DNA position 1865, C replaced by T.
Molecular consequence: intron variant.
Genome position (GRCh38, 1-based): chr16:15,750,337, G>A on the plus strand (C>T on the coding strand, the complement: MYH11 is on the minus strand). VCF-style: chr16-15750337-G-A. GRCh37 (hg19) VCF-style: chr16-15844194-G-A.
Other names: c.1865-6C>T (NM_022844.3); c.1886-6C>T (NM_001040114.2, NM_001040113.2).
Identifiers: ClinVar variation 3070578 (VCV003070578.1), dbSNP rs2506298981, ClinGen allele CA2575923113.

ClinVar aggregate classification (germline): Likely benign (1 of 4 stars; one submission).

Conditions:
Familial thoracic aortic aneurysm and aortic dissection (TAAD). Also called: Thoracic aortic aneurysms and dissections. Identifiers: Orphanet 91387, MedGen C4707243, MONDO:0019625.

gnomAD v4.1: 2 of 1,591,326 alleles (0.00013%); highest among the groups gnomAD compares: Non-Finnish European, 0.00017%; no homozygotes.

Submission:

All of Us Research Program, National Institutes of Health
Classification: Likely benign for Familial thoracic aortic aneurysm and aortic dissection. Last evaluated: 2023-04-28. Review status: criteria provided, single submitter. Criteria: ACMG Guidelines, 2015. Collection method: clinical testing. Allele origin: germline. Inheritance: Autosomal dominant inheritance. Observed: 1 variant allele, 1 heterozygote.
Comment: This study involves interpretation of variants in research participants for the purpose of population health screening. Participant phenotype was not available at the time of variant classification. Additional details can be found in publication PMID: 35346344, PMCID: PMC8962531